The following is an entry in ClinVar:

ClinVar aggregate classification (germline): Uncertain significance (1 of 4 stars; one submission).

Conditions:
Tuberous sclerosis 1 (TSC1). Identifiers: Orphanet 805, MedGen C1854465, MONDO:0008612, OMIM 191100.

Submission:

Labcorp Genetics (formerly Invitae), Labcorp
Classification: Uncertain significance for Tuberous sclerosis 1. Last evaluated: 2020-12-15. Review status: criteria provided, single submitter. Criteria: Invitae Variant Classification Sherloc (09022015). Collection method: clinical testing. Allele origin: germline.
Comment: This sequence change replaces histidine with proline at codon 59 of the TSC1 protein (p.His59Pro). The histidine residue is moderately conserved and there is a moderate physicochemical difference between histidine and proline. This variant is not present in population databases (ExAC no frequency). This variant has not been reported in the literature in individuals with TSC1-related conditions. In summary, the available evidence is currently insufficient to determine the role of this variant in disease. Therefore, it has been classified as a Variant of Uncertain Significance. Algorithms developed to predict the effect of missense changes on protein structure and function are either unavailable or do not agree on the potential impact of this missense change (SIFT: "Tolerated"; PolyPhen-2: "Possibly Damaging"; Align-GVGD: "Class C0").

NM_000368.5(TSC1):c.176A>C (p.His59Pro)

Gene: TSC1 (TSC complex subunit 1; minus strand). Cytogenetic location: 9q34.13.
Variant type: single nucleotide variant.
Coding change: c.176A>C on transcript NM_000368.5 (MANE Select); coding-DNA position 176, A replaced by C.
Protein change: p.His59Pro; replaces histidine 59 with proline.
Molecular consequence: missense variant. On other transcripts: intron variant (1).
Genome position (GRCh38, 1-based): chr9:132,927,235, T>G on the plus strand (A>C on the coding strand, the complement: TSC1 is on the minus strand). VCF-style: chr9-132927235-T-G. GRCh37 (hg19) VCF-style: chr9-135802622-T-G.
Other names: c.176A>C, p.His59Pro (NM_001162426.2, NM_001162427.2); c.-153-1496A>C (NM_001362177.2); short protein forms H59P.
Identifiers: ClinVar variation 1478635 (VCV001478635.8), dbSNP rs757837986, ClinGen allele CA375375093.
Genomic context (GRCh38, chr9:132,927,235, plus strand): 5'-AATGCCTATGATATTTCAGCCATTACCTTGTCATGTGGCTCTTGCAAGGTGGTCAGGATG[T>G]GCAATGCCGGCTGAGAGCTGGTTTCCAGGTAATAATCCACCAAGGTGTTTACAAGCATAG-3'
Protein context (NP_000359.1, residues 49-69): YLETSSQPAL[His59Pro]ILTTLQEPHD